The following is an entry in ClinVar:

ClinVar aggregate classification (germline): Likely pathogenic (1 of 4 stars; one submission).

Submission:

ARUP Laboratories, Molecular Genetics and Genomics, ARUP Laboratories
Classification: Likely pathogenic. Last evaluated: 2025-05-02. Review status: criteria provided, single submitter. Criteria: ARUP Molecular Germline Variant Investigation Process 2024. Collection method: clinical testing. Allele origin: germline.
Comment: The COL1A1 c.3818_3819del; p.Glu1273ValfsTer4 variant, to our knowledge, is not reported in the medical literature of any gene specific databases. This variant is also absent from the Genome Aggregation Database (v2.1.1), indicating it is not a common polymorphism. This variant causes a frameshift by deleting 2 nucleotides, so it is predicted to result in a truncated protein or mRNA subject to non-sense mediated decay. Additionally, other downstream truncating variants have been described in individuals with osteogenesis imperfecta (Li 2019). Based on available information, this variant is considered to be likely pathogenic. References: Li L et al. Genotypic and phenotypic characterization of Chinese patients with osteogenesis imperfecta. Hum Mutat. 2019 May;40(5):588-600. PMID: 30715774.

NM_000088.4(COL1A1):c.3818_3819del (p.Glu1273fs)

Gene: COL1A1 (collagen type I alpha 1 chain; minus strand). Cytogenetic location: 17q21.33.
Variant type: Microsatellite.
Coding change: c.3818_3819del on transcript NM_000088.4 (MANE Select); coding-DNA positions 3818 to 3819, 2 bases deleted (AG; older notation c.3818_3819delAG).
Protein change: p.Glu1273fs; shifts the reading frame from glutamic acid 1273.
Molecular consequence: frameshift variant.
Genome position (GRCh38, 1-based): chr17:50,186,503-50,186,504, CT deleted on the plus strand (AG on the coding strand, the reverse complement: COL1A1 is on the minus strand); deleting any 2 consecutive bases within chr17:50,186,503-50,186,507 gives the same sequence; the c. name uses the placement nearest the transcript's 3' end. VCF-style (leftmost placement, unchanged base first): chr17-50186502-ACT-A. GRCh37 (hg19) VCF-style: chr17-48263863-ACT-A.
Other names: short protein forms E1273fs.
Identifiers: ClinVar variation 4685788 (VCV004685788.1).